The following is an entry in ClinVar:

NM_001360016.2(G6PD):c.1368C>T (p.Asp456=)

Gene: G6PD (glucose-6-phosphate dehydrogenase; minus strand). Cytogenetic location: Xq28.
Variant type: single nucleotide variant.
Coding change: c.1368C>T on transcript NM_001360016.2 (MANE Select); coding-DNA position 1368, C replaced by T.
Protein change: p.Asp456=; no amino-acid change (aspartic acid 456 retained).
Molecular consequence: synonymous variant.
Genome position (GRCh38, 1-based): chrX:154,532,277, G>A on the plus strand (C>T on the coding strand, the complement: G6PD is on the minus strand). VCF-style: chrX-154532277-G-A. GRCh37 (hg19) VCF-style: chrX-153760492-G-A.
Other names: c.1368C>T (NM_001042351.2); c.1458C>T, p.Asp486= (NM_000402.4); c.1368C>T, p.Asp456= (NM_001042351.3).
Identifiers: ClinVar variation 1586152 (VCV001586152.10), dbSNP rs782170250, ClinGen allele CA10566018.
Genomic context (GRCh38, chrX:154,532,277, plus strand): 5'-CTTCTCCAGCTCAATCTGGTGCAGCAGTGGGGTGAAAATACGCCAGGCCTCACGGAGCTC[G>A]TCGCTGAGGGGACATGGTATGGCTTGGGAGGCCGGTGGCACACAGGGAGGGAGGGCAAAG-3'
Protein context (NP_001346945.1, residues 446-466): CGSQMHFVRS[Asp456=]ELREAWRIFT

ClinVar aggregate classification (germline): Likely benign. Review status: criteria provided, single submitter (1 of 4 stars). 2 submissions from 2 submitters: Likely benign (1). 1 of the submissions does not count toward it. Last evaluated 2025-03-18.

Conditions:
Anemia, nonspherocytic hemolytic, due to G6PD deficiency (CNSHA1). Also called: ANEMIA, CONGENITAL, NONSPHEROCYTIC HEMOLYTIC, 1; Hemolytic anemia due to G6PD deficiency; Class I glucose-6-phosphate dehydrogenase deficiency; Favism, susceptibility to. Identifiers: Orphanet 466026, MedGen C2720289, MONDO:0010480, OMIM 300908.
G6PD-related disorder. Also called: G6PD-related condition.

Allele frequency attached by ClinVar (database versions not stated): ExAC 0.00001; gnomAD 0.00001 and 0.00002; TOPMed 0.00001; gnomAD exomes 0.00002.
gnomAD v4.1: 28 of 1,209,700 alleles (0.0023%); highest among the groups gnomAD compares: Middle Eastern, 0.046%; no homozygotes.

Submissions (2):

Labcorp Genetics (formerly Invitae), Labcorp
Classification: Likely benign for Anemia, nonspherocytic hemolytic, due to G6PD deficiency. Last evaluated: 2025-03-18. Review status: criteria provided, single submitter. Criteria: Invitae Variant Classification Sherloc (09022015). Collection method: clinical testing. Allele origin: germline.

PreventionGenetics, part of Exact Sciences
Classification: Likely benign for G6PD-related condition. Last evaluated: 2021-05-24. Review status: no assertion criteria provided. Collection method: clinical testing. Allele origin: germline. Not counted in ClinVar's aggregate classification.
Comment: This variant is classified as likely benign based on ACMG/AMP sequence variant interpretation guidelines (Richards et al. 2015 PMID: 25741868, with internal and published modifications).